The following is an entry in ClinVar:

NM_022168.4(IFIH1):c.1552A>G (p.Ile518Val)

Gene: IFIH1 (interferon induced with helicase C domain 1; minus strand). Cytogenetic location: 2q24.2.
Variant type: single nucleotide variant.
Coding change: c.1552A>G on transcript NM_022168.4 (MANE Select); coding-DNA position 1552, A replaced by G.
Protein change: p.Ile518Val; replaces isoleucine 518 with valine.
Molecular consequence: missense variant.
Genome position (GRCh38, 1-based): chr2:162,280,085, T>C on the plus strand (A>G on the coding strand, the complement: IFIH1 is on the minus strand). VCF-style: chr2-162280085-T-C. GRCh37 (hg19) VCF-style: chr2-163136595-T-C.
Other names: c.1552A>G (NM_022168.2); short protein forms I518V.
Identifiers: ClinVar variation 1059157 (VCV001059157.9), dbSNP rs747683934, ClinGen allele CA1934487.

ClinVar aggregate classification (germline): Conflicting classifications of pathogenicity. Review status: criteria provided, conflicting classifications (1 of 4 stars). 3 submissions from 3 submitters: Uncertain significance (2); Likely benign (1). Last evaluated 2025-10-27.

Conditions:
Inborn genetic diseases. Identifiers: MedGen C0950123, MeSH D030342.
Aicardi-Goutieres syndrome 7 (AGS7). Identifiers: Orphanet 51, MedGen C3888244, MONDO:0014367, OMIM 615846.
Singleton-Merten syndrome 1 (SGMRT1). Also called: Widened medullary cavities of bone, aortic calcification, abnormal dentition, and muscular weakness; Syndrome of widened medullary cavities of the metacarpals and phalanges, aortic calcification and abnormal dentition. Identifiers: Orphanet 85191, MedGen C4225427, MONDO:0024535, OMIM 182250.

Allele frequency attached by ClinVar (database versions not stated): TOPMed 0.00005; gnomAD exomes 0.00002 and 0.00005; ExAC 0.00004; gnomAD 0.00001.
gnomAD v4.1: 33 of 1,595,950 alleles (0.0021%); highest among the groups gnomAD compares: Admixed American, 0.022%; no homozygotes.

Submissions (3):

Labcorp Genetics (formerly Invitae), Labcorp
Classification: Uncertain significance for Aicardi-Goutieres syndrome 7; Singleton-Merten syndrome 1. Last evaluated: 2025-10-27. Review status: criteria provided, single submitter. Criteria: Invitae Variant Classification Sherloc (09022015). Collection method: clinical testing. Allele origin: germline.
Comment: This sequence change replaces isoleucine, which is neutral and non-polar, with valine, which is neutral and non-polar, at codon 518 of the IFIH1 protein (p.Ile518Val). This variant is present in population databases (rs747683934, gnomAD 0.02%). This variant has not been reported in the literature in individuals affected with IFIH1-related conditions. ClinVar contains an entry for this variant (Variation ID: 1059157). Invitae Evidence Modeling incorporating data from in vitro experimental studies (internal data) indicates that this missense variant is not expected to disrupt IFIH1 function with a negative predictive value of 95%. In summary, the available evidence is currently insufficient to determine the role of this variant in disease. Therefore, it has been classified as a Variant of Uncertain Significance.

Ambry Genetics
Classification: Likely benign for Inborn genetic diseases. Last evaluated: 2025-06-18. Review status: criteria provided, single submitter. Criteria: Ambry Variant Classification Scheme 2023. Collection method: clinical testing. Allele origin: germline.

Women's Health and Genetics/Laboratory Corporation of America, LabCorp
Classification: Uncertain significance. Last evaluated: 2025-03-24. Review status: criteria provided, single submitter. Criteria: LabCorp Variant Classification Summary - May 2015. Collection method: clinical testing. Allele origin: germline.
Comment: Variant summary: IFIH1 c.1552A>G (p.Ile518Val) results in a conservative amino acid change in the encoded protein sequence. Two of four in-silico tools predict a benign effect of the variant on protein function. The variant allele was found at a frequency of 2.1e-05 in 1589012 control chromosomes (gnomAD v4.1). This frequency is not higher than the maximum estimated for a pathogenic variant in IFIH1 causing Immunodeficiency 95, allowing no conclusion about variant significance. To our knowledge, no occurrence of c.1552A>G in individuals affected with Immunodeficiency 95 and no experimental evidence demonstrating its impact on protein function have been reported. ClinVar contains an entry for this variant (Variation ID: 1059157). Based on the evidence outlined above, the variant was classified as uncertain significance.